The following is an entry in ClinVar:

ClinVar aggregate classification (germline): Uncertain significance (1 of 4 stars; one submission).

Conditions:
Hereditary nonpolyposis colorectal neoplasms. Identifiers: MedGen C0009405, MeSH D003123.

gnomAD v4.1: 1 of 1,614,094 alleles (0.000062%); highest among the groups gnomAD compares: Non-Finnish European, 0.000085%; no homozygotes.

Submission:

Labcorp Genetics (formerly Invitae), Labcorp
Classification: Uncertain significance for Hereditary nonpolyposis colorectal neoplasms. Last evaluated: 2024-08-17. Review status: criteria provided, single submitter. Criteria: Invitae Variant Classification Sherloc (09022015). Collection method: clinical testing. Allele origin: germline.
Comment: This sequence change replaces aspartic acid, which is acidic and polar, with asparagine, which is neutral and polar, at codon 1171 of the MSH6 protein (p.Asp1171Asn). This variant is not present in population databases (gnomAD no frequency). This variant has not been reported in the literature in individuals affected with MSH6-related conditions. Invitae Evidence Modeling of protein sequence and biophysical properties (such as structural, functional, and spatial information, amino acid conservation, physicochemical variation, residue mobility, and thermodynamic stability) has been performed for this missense variant. However, the output from this modeling did not meet the statistical confidence thresholds required to predict the impact of this variant on MSH6 protein function. In summary, the available evidence is currently insufficient to determine the role of this variant in disease. Therefore, it has been classified as a Variant of Uncertain Significance.

NM_000179.3(MSH6):c.3511G>A (p.Asp1171Asn)

Gene: MSH6 (mutS homolog 6; plus strand). Cytogenetic location: 2p16.3.
Variant type: single nucleotide variant.
Coding change: c.3511G>A on transcript NM_000179.3 (MANE Select); coding-DNA position 3511, G replaced by A.
Protein change: p.Asp1171Asn; replaces aspartic acid 1171 with asparagine.
Molecular consequence: missense variant. On other transcripts: non-coding transcript variant (4).
Genome position (GRCh38, 1-based): chr2:47,804,982, G>A. VCF-style: chr2-47804982-G-A. GRCh37 (hg19) VCF-style: chr2-48032121-G-A.
Other names: c.3214G>A, p.Asp1072Asn (NM_001406828.1, NM_001406830.1, NM_001406818.1 and 10 more transcripts); c.2605G>A, p.Asp869Asn (NM_001406829.1, NM_001406823.1, NM_001406815.1 and 6 more transcripts); c.292G>A, p.Asp98Asn (NM_001406831.1); c.358G>A, p.Asp120Asn (NM_001406832.1); c.1456G>A, p.Asp486Asn (NM_001407362.1); c.3343G>A, p.Asp1115Asn (NM_001406826.1); c.1945G>A, p.Asp649Asn (NM_001406817.1); c.3121G>A, p.Asp1041Asn (NM_001281492.2); and 7 more; short protein forms D1203N, D869N, D1041N, D1145N, D120N, D1113N, D1173N, D649N.
Identifiers: ClinVar variation 3708386 (VCV003708386.2).
Genomic context (GRCh38, chr2:47,804,982, plus strand): 5'-GCTGTAATGGCCCAGATGGGTTGTTACGTCCCTGCTGAAGTGTGCAGGCTCACACCAATT[G>A]ATAGAGTGTTTACTAGACTTGGTGCCTCAGACAGAATAATGTCAGGTGAGTTTTTTGTTT-3'
Protein context (NP_000170.1, residues 1161-1181): PAEVCRLTPI[Asp1171Asn]RVFTRLGASD